The following is an entry in ClinVar:

ClinVar aggregate classification (germline): Uncertain significance (1 of 4 stars; one submission).

Conditions:
Inborn genetic diseases. Identifiers: MedGen C0950123, MeSH D030342.

gnomAD v4.1: 1 of 1,612,040 alleles (0.000062%); highest among the groups gnomAD compares: East Asian, 0.0022%; no homozygotes.

Submission:

Ambry Genetics
Classification: Uncertain significance for Inborn genetic diseases. Last evaluated: 2024-12-22. Review status: criteria provided, single submitter. Criteria: Ambry Variant Classification Scheme 2023. Collection method: clinical testing. Allele origin: germline.
Comment: The p.D1289N variant (also known as c.3865G>A), located in coding exon 26 of the ANKRD26 gene, results from a G to A substitution at nucleotide position 3865. The aspartic acid at codon 1289 is replaced by asparagine, an amino acid with highly similar properties. This amino acid position is conserved. In addition, this alteration is predicted to be tolerated by in silico analysis. Based on the available evidence, the clinical significance of this variant remains unclear.

NM_014915.3(ANKRD26):c.3865G>A (p.Asp1289Asn)

Gene: ANKRD26 (ankyrin repeat domain containing 26; minus strand). Cytogenetic location: 10p12.1.
Variant type: single nucleotide variant.
Coding change: c.3865G>A on transcript NM_014915.3 (MANE Select); coding-DNA position 3865, G replaced by A.
Protein change: p.Asp1289Asn; replaces aspartic acid 1289 with asparagine.
Molecular consequence: missense variant.
Genome position (GRCh38, 1-based): chr10:27,029,299, C>T on the plus strand (G>A on the coding strand, the complement: ANKRD26 is on the minus strand). VCF-style: chr10-27029299-C-T. GRCh37 (hg19) VCF-style: chr10-27318228-C-T.
Other names: c.3862G>A, p.Asp1288Asn (NM_001256053.2); short protein forms D1289N, D1288N.
Identifiers: ClinVar variation 3868585 (VCV003868585.1).